The following is an entry in ClinVar:

ClinVar aggregate classification (germline): Uncertain significance. Review status: criteria provided, multiple submitters, no conflicts (2 of 4 stars). 3 submissions from 3 submitters: Uncertain significance (3). Last evaluated 2023-12-17.

Conditions:
Inborn genetic diseases. Identifiers: MedGen C0950123, MeSH D030342.

Allele frequency attached by ClinVar (database versions not stated): TOPMed below 0.00001.
gnomAD v4.1: 2 of 1,551,718 alleles (0.00013%); highest among the groups gnomAD compares: Non-Finnish European, 0.00017%; no homozygotes.

Submissions (3):

Ambry Genetics
Classification: Uncertain significance for Inborn genetic diseases. Last evaluated: 2023-12-17. Review status: criteria provided, single submitter. Criteria: Ambry Variant Classification Scheme 2023. Collection method: clinical testing. Allele origin: germline.

Blueprint Genetics
Classification: Uncertain significance. Last evaluated: 2023-04-10. Review status: criteria provided, single submitter. Criteria: ACMG Guidelines, 2015. Collection method: clinical testing. Allele origin: germline.

Labcorp Genetics (formerly Invitae), Labcorp
Classification: Uncertain significance. Last evaluated: 2022-03-09. Review status: criteria provided, single submitter. Criteria: Invitae Variant Classification Sherloc (09022015). Collection method: clinical testing. Allele origin: germline.
Comment: This sequence change replaces glycine, which is neutral and non-polar, with arginine, which is basic and polar, at codon 2876 of the EYS protein (p.Gly2876Arg). This variant is not present in population databases (gnomAD no frequency). This variant has not been reported in the literature in individuals affected with EYS-related conditions. Algorithms developed to predict the effect of missense changes on protein structure and function are either unavailable or do not agree on the potential impact of this missense change (SIFT: "Deleterious"; PolyPhen-2: "Probably Damaging"; Align-GVGD: "Class C15"). Algorithms developed to predict the effect of sequence changes on RNA splicing suggest that this variant may create or strengthen a splice site. In summary, the available evidence is currently insufficient to determine the role of this variant in disease. Therefore, it has been classified as a Variant of Uncertain Significance.

NM_001142800.2(EYS):c.8626G>A (p.Gly2876Arg)

Genes: EYS (EGF-like photoreceptor maintenance factor; minus strand), PHF3 (PHD finger protein 3; plus strand). Cytogenetic location: 6q12.
Variant type: single nucleotide variant.
Coding change: c.8626G>A on transcript NM_001142800.2 (MANE Select); coding-DNA position 8626, G replaced by A.
Protein change: p.Gly2876Arg; replaces glycine 2876 with arginine.
Molecular consequence: missense variant. On other transcripts: 3 prime UTR variant (5).
Genome position (GRCh38, 1-based): chr6:63,721,405, C>T on the plus strand (G>A on the coding strand, the complement: EYS is on the minus strand). VCF-style: chr6-63721405-C-T. GRCh37 (hg19) VCF-style: chr6-64431301-C-T.
Other names: c.*7697C>T (NM_001290259.2, NM_001370348.2, NM_001370349.2 and 2 more transcripts); c.8689G>A, p.Gly2897Arg (NM_001292009.2); short protein forms G2876R, G2897R.
Identifiers: ClinVar variation 1494410 (VCV001494410.5), dbSNP rs1768383175, ClinGen allele CA364384339.